The following is an entry in ClinVar:

NM_000222.3(KIT):c.338A>G (p.Asp113Gly)

Gene: KIT (KIT proto-oncogene, receptor tyrosine kinase; plus strand). Cytogenetic location: 4q12.
Variant type: single nucleotide variant.
Coding change: c.338A>G on transcript NM_000222.3 (MANE Select); coding-DNA position 338, A replaced by G.
Protein change: p.Asp113Gly; replaces aspartic acid 113 with glycine.
Molecular consequence: missense variant.
Genome position (GRCh38, 1-based): chr4:54,698,284, A>G. VCF-style: chr4-54698284-A-G. GRCh37 (hg19) VCF-style: chr4-55564450-A-G.
Other names: c.338A>G, p.Asp113Gly (NM_001093772.2, NM_001385284.1, NM_001385285.1 and 4 more transcripts); short protein forms D113G.
Identifiers: ClinVar variation 3534708 (VCV003534708.3).
Genomic context (GRCh38, chr4:54,698,284, plus strand): 5'-AGTGTTTTCAGTGTCTGTGACCAGCCATTCCAACTACTGATTTTGGATATGCTTCTATAG[A>G]TCCTGCCAAGCTTTTCCTTGTTGACCGCTCCTTGTATGGGAAAGAAGACAACGACACGCT-3'
Protein context (NP_000213.1, residues 103-123): LSNSIYVFVR[Asp113Gly]PAKLFLVDRS

ClinVar aggregate classification (germline): Uncertain significance. Review status: criteria provided, multiple submitters, no conflicts (2 of 4 stars). 2 submissions from 2 submitters: Uncertain significance (2). Last evaluated 2024-11-13.

Conditions:
Gastrointestinal stromal tumor. Also called: Gastrointestinal stromal tumor, somatic; Gastrointestinal stroma tumor. Identifiers: Orphanet 44890, MedGen C0238198, MeSH D046152, MONDO:0011719, OMIM 606764, HP:0100723.
Hereditary cancer-predisposing syndrome. Also called: Neoplastic Syndromes, Hereditary; Tumor predisposition; Hereditary Cancer Syndrome; Hereditary neoplastic syndrome. Identifiers: Orphanet 140162, MedGen C0027672, MeSH D009386, MONDO:0015356.

Submissions (2):

Labcorp Genetics (formerly Invitae), Labcorp
Classification: Uncertain significance for Gastrointestinal stromal tumor. Last evaluated: 2024-11-13. Review status: criteria provided, single submitter. Criteria: Invitae Variant Classification Sherloc (09022015). Collection method: clinical testing. Allele origin: germline.
Comment: This sequence change replaces aspartic acid, which is acidic and polar, with glycine, which is neutral and non-polar, at codon 113 of the KIT protein (p.Asp113Gly). This variant is not present in population databases (gnomAD no frequency). This variant has not been reported in the literature in individuals affected with KIT-related conditions. An algorithm developed to predict the effect of missense changes on protein structure and function (PolyPhen-2) suggests that this variant is likely to be disruptive. In summary, the available evidence is currently insufficient to determine the role of this variant in disease. Therefore, it has been classified as a Variant of Uncertain Significance.

Ambry Genetics
Classification: Uncertain significance for Hereditary cancer-predisposing syndrome. Last evaluated: 2024-09-04. Review status: criteria provided, single submitter. Criteria: Ambry Variant Classification Scheme 2023. Collection method: clinical testing. Allele origin: germline.
Comment: The p.D113G variant (also known as c.338A>G) is located in coding exon 3 of the KIT gene. The aspartic acid at codon 113 is replaced by glycine, an amino acid with similar properties. This change occurs in the first base pair of coding exon 3. This amino acid position is conserved. In addition, this alteration is predicted to be deleterious by in silico analysis. Based on the available evidence, the clinical significance of this variant remains unclear.